The following is an entry in ClinVar:

NM_006206.6(PDGFRA):c.1811T>C (p.Phe604Ser)

Gene: PDGFRA (platelet derived growth factor receptor alpha; plus strand). Cytogenetic location: 4q12.
Variant type: single nucleotide variant.
Coding change: c.1811T>C on transcript NM_006206.6 (MANE Select); coding-DNA position 1811, T replaced by C.
Protein change: p.Phe604Ser; replaces phenylalanine 604 with serine.
Molecular consequence: missense variant.
Genome position (GRCh38, 1-based): chr4:54,277,412, T>C. VCF-style: chr4-54277412-T-C. GRCh37 (hg19) VCF-style: chr4-55143579-T-C.
Other names: c.1850T>C, p.Phe617Ser (NM_001347830.2); c.1811T>C, p.Phe604Ser (NM_001347827.2, NM_001347829.2); c.1886T>C, p.Phe629Ser (NM_001347828.2); short protein forms F604S, F617S, F629S.
Identifiers: ClinVar variation 1045359 (VCV001045359.9), dbSNP rs1723797699, ClinGen allele CA356893375.

ClinVar aggregate classification (germline): Uncertain significance (1 of 4 stars; one submission).

Conditions:
Gastrointestinal stromal tumor. Also called: Gastrointestinal stromal tumor, somatic; Gastrointestinal stroma tumor. Identifiers: Orphanet 44890, MedGen C0238198, MeSH D046152, MONDO:0011719, OMIM 606764, HP:0100723.

Submission:

Labcorp Genetics (formerly Invitae), Labcorp
Classification: Uncertain significance for Gastrointestinal stromal tumor. Last evaluated: 2018-04-20. Review status: criteria provided, single submitter. Criteria: Invitae Variant Classification Sherloc (09022015). Collection method: clinical testing. Allele origin: germline.
Comment: In summary, the available evidence is currently insufficient to determine the role of this variant in disease. Therefore, it has been classified as a Variant of Uncertain Significance. Algorithms developed to predict the effect of missense changes on protein structure and function (SIFT, PolyPhen-2, Align-GVGD) all suggest that this variant is likely to be disruptive, but these predictions have not been confirmed by published functional studies and their clinical significance is uncertain. This variant has not been reported in the literature in individuals with PDGFRA-related disease. This variant is not present in population databases (ExAC no frequency). This sequence change replaces phenylalanine with serine at codon 604 of the PDGFRA protein (p.Phe604Ser). The phenylalanine residue is highly conserved and there is a large physicochemical difference between phenylalanine and serine.